The following is an entry in ClinVar:

ClinVar aggregate classification (germline): Uncertain significance (1 of 4 stars; one submission).

gnomAD v4.1: 15 of 1,610,366 alleles (0.00093%); highest among the groups gnomAD compares: East Asian, 0.034%; no homozygotes.

Submission:

Labcorp Genetics (formerly Invitae), Labcorp
Classification: Uncertain significance. Last evaluated: 2024-04-01. Review status: criteria provided, single submitter. Criteria: Invitae Variant Classification Sherloc (09022015). Collection method: clinical testing. Allele origin: germline.
Comment: This sequence change replaces leucine, which is neutral and non-polar, with isoleucine, which is neutral and non-polar, at codon 1775 of the TRRAP protein (p.Leu1775Ile). The frequency data for this variant in the population databases is considered unreliable, as metrics indicate poor data quality at this position in the gnomAD database. This variant has not been reported in the literature in individuals affected with TRRAP-related conditions. Advanced modeling of protein sequence and biophysical properties (such as structural, functional, and spatial information, amino acid conservation, physicochemical variation, residue mobility, and thermodynamic stability) performed at Invitae indicates that this missense variant is not expected to disrupt TRRAP protein function with a negative predictive value of 80%. In summary, the available evidence is currently insufficient to determine the role of this variant in disease. Therefore, it has been classified as a Variant of Uncertain Significance.

NM_001375524.1(TRRAP):c.5398C>A (p.Leu1800Ile)

Gene: TRRAP (transformation/transcription domain associated protein; plus strand). Cytogenetic location: 7q22.1.
Variant type: single nucleotide variant.
Coding change: c.5398C>A on transcript NM_001375524.1 (MANE Select); coding-DNA position 5398, C replaced by A.
Protein change: p.Leu1800Ile; replaces leucine 1800 with isoleucine.
Molecular consequence: missense variant.
Genome position (GRCh38, 1-based): chr7:98,950,939, C>A. VCF-style: chr7-98950939-C-A. GRCh37 (hg19) VCF-style: chr7-98548562-C-A.
Other names: c.5377C>A, p.Leu1793Ile (NM_001244580.2); c.5323C>A, p.Leu1775Ile (NM_003496.4); short protein forms L1793I, L1800I, L1775I.
Identifiers: ClinVar variation 3701642 (VCV003701642.2).
Genomic context (GRCh38, chr7:98,950,939, plus strand): 5'-CTGCAGCATATCTTGAATCCTGCTTTCTTGTACAGCTTTGAGAAGGGGGAAGGAGAGCAG[C>A]TCTTGGGACCTCCCAATCCAGAAGGAGATAACCCAGAAAGCATCACCAGTGTGTTTATTA-3'
Protein context (NP_001362453.1, residues 1790-1810): YSFEKGEGEQ[Leu1800Ile]LGPPNPEGDN